The following is an entry in ClinVar:

NM_016169.4(SUFU):c.1150T>A (p.Cys384Ser)

Gene: SUFU (SUFU negative regulator of hedgehog signaling; plus strand). Cytogenetic location: 10q24.32.
Variant type: single nucleotide variant.
Coding change: c.1150T>A on transcript NM_016169.4 (MANE Select); coding-DNA position 1150, T replaced by A.
Protein change: p.Cys384Ser; replaces cysteine 384 with serine.
Molecular consequence: missense variant.
Genome position (GRCh38, 1-based): chr10:102,615,395, T>A. VCF-style: chr10-102615395-T-A. GRCh37 (hg19) VCF-style: chr10-104375152-T-A.
Other names: c.1150T>A, p.Cys384Ser (NM_001178133.2); short protein forms C384S.
Identifiers: ClinVar variation 818424 (VCV000818424.16), dbSNP rs375419295, ClinGen allele CA5667876.

ClinVar aggregate classification (germline): Uncertain significance. Review status: criteria provided, multiple submitters, no conflicts (2 of 4 stars). 3 submissions from 3 submitters: Uncertain significance (3). Last evaluated 2025-05-31.

Conditions:
Hereditary cancer-predisposing syndrome. Also called: Hereditary Cancer Syndrome; Neoplastic Syndromes, Hereditary; Hereditary neoplastic syndrome; Tumor predisposition. Identifiers: Orphanet 140162, MedGen C0027672, MeSH D009386, MONDO:0015356.
Gorlin syndrome. Also called: Nevoid Basal Cell Carcinoma Syndrome; Basal cell nevus syndrome. Identifiers: Orphanet 377, MedGen C0004779, MONDO:0007187.
Medulloblastoma (MDB). Also called: Medulloblastoma, somatic; MEDULLOBLASTOMA PREDISPOSITION SYNDROME. Identifiers: Orphanet 616, MedGen C0025149, MeSH D008527, MONDO:0007959, OMIM 155255, HP:0002885.

Allele frequency attached by ClinVar (database versions not stated): gnomAD exomes below 0.00001; TOPMed below 0.00001; ExAC 0.00001; gnomAD 0.00001; ESP Exome Variant Server 0.00008.
gnomAD v4.1: 6 of 1,613,886 alleles (0.00037%); highest among the groups gnomAD compares: African/African-American, 0.0013%; no homozygotes.

Submissions (3):

Ambry Genetics
Classification: Uncertain significance for Hereditary cancer-predisposing syndrome. Last evaluated: 2025-05-31. Review status: criteria provided, single submitter. Criteria: Ambry Variant Classification Scheme 2023. Collection method: clinical testing. Allele origin: germline.
Comment: The p.C384S variant (also known as c.1150T>A), located in coding exon 9 of the SUFU gene, results from a T to A substitution at nucleotide position 1150. The cysteine at codon 384 is replaced by serine, an amino acid with dissimilar properties. This amino acid position is highly conserved in available vertebrate species. In addition, the in silico prediction for this alteration is inconclusive. Since supporting evidence is limited at this time, the clinical significance of this alteration remains unclear.

Labcorp Genetics (formerly Invitae), Labcorp
Classification: Uncertain significance for Gorlin syndrome; Medulloblastoma. Last evaluated: 2025-04-07. Review status: criteria provided, single submitter. Criteria: Invitae Variant Classification Sherloc (09022015). Collection method: clinical testing. Allele origin: germline.
Comment: This sequence change replaces cysteine, which is neutral and slightly polar, with serine, which is neutral and polar, at codon 384 of the SUFU protein (p.Cys384Ser). This variant is present in population databases (rs375419295, gnomAD 0.007%). This variant has not been reported in the literature in individuals affected with SUFU-related conditions. ClinVar contains an entry for this variant (Variation ID: 818424). Invitae Evidence Modeling of protein sequence and biophysical properties (such as structural, functional, and spatial information, amino acid conservation, physicochemical variation, residue mobility, and thermodynamic stability) indicates that this missense variant is not expected to disrupt SUFU protein function with a negative predictive value of 80%. In summary, the available evidence is currently insufficient to determine the role of this variant in disease. Therefore, it has been classified as a Variant of Uncertain Significance.

GeneDx
Classification: Uncertain significance. Last evaluated: 2023-04-07. Review status: criteria provided, single submitter. Criteria: GeneDx Variant Classification Process June 2021. Collection method: clinical testing. Allele origin: germline. Affected: yes.
Comment: Not observed at significant frequency in large population cohorts (gnomAD); In silico analysis supports that this missense variant does not alter protein structure/function; Has not been previously published as pathogenic or benign to our knowledge